The following is an entry in ClinVar:

ClinVar aggregate classification (germline): Pathogenic (1 of 4 stars; one submission).

Conditions:
Cone-rod dystrophy 2 (CORD2). Also called: CONE-ROD RETINAL DYSTROPHY; Cone-rod retinal dystrophy 2. Identifiers: Orphanet 1872, MedGen C3489532, MONDO:0007362, OMIM 120970.
Leber congenital amaurosis 7 (LCA7). Identifiers: Orphanet 65, MedGen C3151192, MONDO:0013449, OMIM 613829.

gnomAD v4.1: 1 of 1,613,144 alleles (0.000062%); highest among the groups gnomAD compares: African/African-American, 0.0013%; no homozygotes.

Submission:

Labcorp Genetics (formerly Invitae), Labcorp
Classification: Pathogenic for Cone-rod dystrophy 2; Leber congenital amaurosis 7. Last evaluated: 2025-11-25. Review status: criteria provided, single submitter. Criteria: Invitae Variant Classification Sherloc (09022015). Collection method: clinical testing. Allele origin: germline.
Comment: This sequence change creates a premature translational stop signal (p.Trp86*) in the CRX gene. While this is not anticipated to result in nonsense mediated decay, it is expected to disrupt the last 214 amino acid(s) of the CRX protein. This variant is present in population databases (rs567952341, gnomAD 0.007%). This variant has not been reported in the literature in individuals affected with CRX-related conditions. ClinVar contains an entry for this variant (Variation ID: 3749852). This variant disrupts a region of the CRX protein in which other variant(s) (p.Tyr258*) have been determined to be pathogenic (PMID: 22968130, 25270190). This suggests that this is a clinically significant region of the protein, and that variants that disrupt it are likely to be disease-causing. For these reasons, this variant has been classified as Pathogenic.

Literature cited by the submitters: PubMed 22968130; PubMed 25270190.

NM_000554.6(CRX):c.257G>A (p.Trp86Ter)

Gene: CRX (cone-rod homeobox; plus strand). Cytogenetic location: 19q13.33.
Variant type: single nucleotide variant.
Coding change: c.257G>A on transcript NM_000554.6 (MANE Select); coding-DNA position 257, G replaced by A.
Protein change: p.Trp86Ter; replaces tryptophan 86 with a stop codon.
Molecular consequence: nonsense.
Genome position (GRCh38, 1-based): chr19:47,839,324, G>A. VCF-style: chr19-47839324-G-A. GRCh37 (hg19) VCF-style: chr19-48342581-G-A.
Other names: short protein forms W86*.
Identifiers: ClinVar variation 3749852 (VCV003749852.2).
Genomic context (GRCh38, chr19:47,839,324, plus strand): 5'-GCTCTCCTGGGCCTCTTCCCCACTTACCCACCCCCATCTCCGCTCTTATCCCCCAGGTTT[G>A]GTTCAAGAACCGGAGGGCTAAATGCAGGCAGCAGCGACAGCAGCAGAAACAGCAGCAGCA-3'